The following is an entry in ClinVar:

NM_033026.6(PCLO):c.3300+5G>A

Gene: PCLO (piccolo presynaptic cytomatrix protein; minus strand). Cytogenetic location: 7q21.11.
Variant type: single nucleotide variant.
Coding change: c.3300+5G>A on transcript NM_033026.6 (MANE Select); 5 bases into the intron after coding-DNA position 3300, G replaced by A.
Molecular consequence: intron variant.
Genome position (GRCh38, 1-based): chr7:83,134,245, C>T on the plus strand (G>A on the coding strand, the complement: PCLO is on the minus strand). VCF-style: chr7-83134245-C-T. GRCh37 (hg19) VCF-style: chr7-82763561-C-T.
Other names: c.3300+5G>A (NM_014510.3).
Identifiers: ClinVar variation 1404157 (VCV001404157.4), dbSNP rs1034153155, ClinGen allele CA161171441.

ClinVar aggregate classification (germline): Uncertain significance (1 of 4 stars; one submission).

Allele frequency attached by ClinVar (database versions not stated): gnomAD exomes 0.00002 and 0.00009; gnomAD 0.00007 and 0.00008.
gnomAD v4.1: 62 of 734,710 alleles (0.0084%); highest among the groups gnomAD compares: Non-Finnish European, 0.012%; no homozygotes.

Submissions (2):

Labcorp Genetics (formerly Invitae), Labcorp
Classification: Uncertain significance. Last evaluated: 2022-11-01. Review status: criteria provided, single submitter. Criteria: Invitae Variant Classification Sherloc (09022015). Collection method: clinical testing. Allele origin: germline.
Comment: This sequence change falls in intron 3 of the PCLO gene. It does not directly change the encoded amino acid sequence of the PCLO protein. It affects a nucleotide within the consensus splice site. This variant is present in population databases (no rsID available, gnomAD 0.02%). This variant has not been reported in the literature in individuals affected with PCLO-related conditions. ClinVar contains an entry for this variant (Variation ID: 1404157). Variants that disrupt the consensus splice site are a relatively common cause of aberrant splicing (PMID: 17576681, 9536098). Algorithms developed to predict the effect of sequence changes on RNA splicing suggest that this variant is not likely to affect RNA splicing. In summary, the available evidence is currently insufficient to determine the role of this variant in disease. Therefore, it has been classified as a Variant of Uncertain Significance.

Dr. Peter K. Rogan Lab, Western University
No classification provided (evidence only). Condition: Cervical cancer. Review status: no classification provided. Collection method: in vitro. Allele origin: not applicable. Functional consequence: retained intron. Not counted in ClinVar's aggregate classification.

Literature cited by the submitters: PubMed 17576681 (cited by Labcorp Genetics (formerly Invitae), Labcorp); PubMed 9536098 (cited by Labcorp Genetics (formerly Invitae), Labcorp).